The following is an entry in ClinVar:

ClinVar aggregate classification (germline): Likely benign. Review status: criteria provided, single submitter (1 of 4 stars). 2 submissions from 2 submitters: Likely benign (1). 1 of the submissions does not count toward it. Last evaluated 2024-02-22.

Conditions:
AP1S3-related disorder. Also called: AP1S3-related condition.

Allele frequency attached by ClinVar (database versions not stated): gnomAD exomes below 0.00001; gnomAD 0.00001; TOPMed 0.00001.
gnomAD v4.1: 4 of 1,613,968 alleles (0.00025%); highest among the groups gnomAD compares: Admixed American, 0.0033%; no homozygotes.

Submissions (2):

Blueprint Genetics
Classification: Likely benign. Last evaluated: 2024-02-22. Review status: criteria provided, single submitter. Criteria: ACMG Guidelines, 2015. Collection method: clinical testing. Allele origin: germline.

PreventionGenetics, part of Exact Sciences
Classification: Likely benign for AP1S3-related condition. Last evaluated: 2019-06-14. Review status: no assertion criteria provided. Collection method: clinical testing. Allele origin: germline. Not counted in ClinVar's aggregate classification.
Comment: This variant is classified as likely benign based on ACMG/AMP sequence variant interpretation guidelines (Richards et al. 2015 PMID: 25741868, with internal and published modifications).

NM_001039569.2(AP1S3):c.267G>A (p.Glu89=)

Gene: AP1S3 (adaptor related protein complex 1 subunit sigma 3; minus strand). Cytogenetic location: 2q36.1.
Variant type: single nucleotide variant.
Coding change: c.267G>A on transcript NM_001039569.2 (MANE Select); coding-DNA position 267, G replaced by A.
Protein change: p.Glu89=; no amino-acid change (glutamic acid 89 retained).
Molecular consequence: synonymous variant. On other transcripts: non-coding transcript variant (1).
Genome position (GRCh38, 1-based): chr2:223,775,925, C>T on the plus strand (G>A on the coding strand, the complement: AP1S3 is on the minus strand). VCF-style: chr2-223775925-C-T. GRCh37 (hg19) VCF-style: chr2-224640642-C-T.
Identifiers: ClinVar variation 3033468 (VCV003033468.3), dbSNP rs998508971, ClinGen allele CA66479994.